The following is an entry in ClinVar:

NM_152703.5(SAMD9L):c.2668A>C (p.Met890Leu)

Gene: SAMD9L (sterile alpha motif domain containing 9 like; minus strand). Cytogenetic location: 7q21.2.
Variant type: single nucleotide variant.
Coding change: c.2668A>C on transcript NM_152703.5 (MANE Select); coding-DNA position 2668, A replaced by C.
Protein change: p.Met890Leu; replaces methionine 890 with leucine.
Molecular consequence: missense variant.
Genome position (GRCh38, 1-based): chr7:93,133,304, T>G on the plus strand (A>C on the coding strand, the complement: SAMD9L is on the minus strand). VCF-style: chr7-93133304-T-G. GRCh37 (hg19) VCF-style: chr7-92762617-T-G.
Other names: c.2668A>C, p.Met890Leu (NM_001303496.3, NM_001303497.3, NM_001303498.3 and 5 more transcripts); short protein forms M890L.
Identifiers: ClinVar variation 3792185 (VCV003792185.1).

ClinVar aggregate classification (germline): Uncertain significance (1 of 4 stars; one submission).

Conditions:
Inborn genetic diseases. Identifiers: MedGen C0950123, MeSH D030342.

Submission:

Ambry Genetics
Classification: Uncertain significance for Inborn genetic diseases. Last evaluated: 2024-12-12. Review status: criteria provided, single submitter. Criteria: Ambry Variant Classification Scheme 2023. Collection method: clinical testing. Allele origin: germline.
Comment: The p.M890L variant (also known as c.2668A>C), located in coding exon 1 of the SAMD9L gene, results from an A to C substitution at nucleotide position 2668. The methionine at codon 890 is replaced by leucine, an amino acid with highly similar properties. This amino acid position is conserved. In addition, this alteration is predicted to be tolerated by in silico analysis. Based on the available evidence, the clinical significance of this variant remains unclear.